The following is an entry in ClinVar:

ClinVar aggregate classification (germline): Uncertain significance. Review status: criteria provided, multiple submitters, no conflicts (2 of 4 stars). 2 submissions from 2 submitters: Uncertain significance (2). Last evaluated 2024-05-02.

Conditions:
Short-rib thoracic dysplasia 7 with or without polydactyly (SRTD7). Also called: Short rib polydactyly syndrome 5; SHORT-RIB THORACIC DYSPLASIA 7 WITH POLYDACTYLY. Identifiers: Orphanet 498497, Orphanet 93271, MedGen C3279792, MONDO:0013569, OMIM 614091.
Cranioectodermal dysplasia 2 (CED2). Identifiers: Orphanet 1515, MedGen C3150874, MONDO:0013323, OMIM 613610.
Inborn genetic diseases. Identifiers: MedGen C0950123, MeSH D030342.

Allele frequency attached by ClinVar (database versions not stated): ExAC 0.00001; gnomAD 0.00001; gnomAD exomes 0.00001; TOPMed 0.00002.
gnomAD v4.1: 12 of 1,613,828 alleles (0.00074%); highest among the groups gnomAD compares: Admixed American, 0.005%; no homozygotes.

Submissions (2):

Ambry Genetics
Classification: Uncertain significance for Inborn genetic diseases. Last evaluated: 2024-05-02. Review status: criteria provided, single submitter. Criteria: Ambry Variant Classification Scheme 2023. Collection method: clinical testing. Allele origin: germline.

Labcorp Genetics (formerly Invitae), Labcorp
Classification: Uncertain significance for Cranioectodermal dysplasia 2; Short-rib thoracic dysplasia 7 with or without polydactyly. Last evaluated: 2021-11-04. Review status: criteria provided, single submitter. Criteria: Invitae Variant Classification Sherloc (09022015). Collection method: clinical testing. Allele origin: germline.
Comment: This sequence change replaces arginine, which is basic and polar, with glutamine, which is neutral and polar, at codon 675 of the WDR35 protein (p.Arg675Gln). In summary, the available evidence is currently insufficient to determine the role of this variant in disease. Therefore, it has been classified as a Variant of Uncertain Significance. This variant is present in population databases (rs750367225, gnomAD 0.009%). This variant has not been reported in the literature in individuals affected with WDR35-related conditions. Algorithms developed to predict the effect of missense changes on protein structure and function (SIFT, PolyPhen-2, Align-GVGD) all suggest that this variant is likely to be tolerated.

NM_020779.4(WDR35):c.1991G>A (p.Arg664Gln)

Gene: WDR35 (WD repeat domain 35; minus strand). Cytogenetic location: 2p24.1.
Variant type: single nucleotide variant.
Coding change: c.1991G>A on transcript NM_020779.4 (MANE Select); coding-DNA position 1991, G replaced by A.
Protein change: p.Arg664Gln; replaces arginine 664 with glutamine.
Molecular consequence: missense variant.
Genome position (GRCh38, 1-based): chr2:19,938,337, C>T on the plus strand (G>A on the coding strand, the complement: WDR35 is on the minus strand). VCF-style: chr2-19938337-C-T. GRCh37 (hg19) VCF-style: chr2-20138098-C-T.
Other names: c.2024G>A, p.Arg675Gln (NM_001006657.2); c.2024G>A (NM_001006657.1); short protein forms R664Q, R675Q.
Identifiers: ClinVar variation 1431520 (VCV001431520.7), dbSNP rs750367225, ClinGen allele CA1543067.